The following is an entry in ClinVar:

ClinVar aggregate classification (germline): Likely pathogenic (1 of 4 stars; one submission).

Conditions:
Developmental and epileptic encephalopathy, 30 (DEE30). Also called: Epileptic encephalopathy, early infantile, 30. Identifiers: MedGen C4225360, MONDO:0014595, OMIM 616341.

Allele frequency attached by ClinVar (database versions not stated): gnomAD exomes below 0.00001.
gnomAD v4.1: 1 of 382,714 alleles (0.00026%); highest among the groups gnomAD compares: Non-Finnish European, 0.00036%; no homozygotes.

Submission:

Greenwood Genetic Center Diagnostic Laboratories, Greenwood Genetic Center
Classification: Likely pathogenic for Developmental and epileptic encephalopathy, 30. Last evaluated: 2022-06-15. Review status: criteria provided, single submitter. Criteria: ACMG Guidelines, 2015. Collection method: clinical testing. Allele origin: germline. Affected: yes.
Comment: PVS1 PM2

NM_173354.5(SIK1):c.1839C>A (p.Cys613Ter)

Gene: SIK1 (salt inducible kinase 1; minus strand). Cytogenetic location: 21q22.3.
Variant type: single nucleotide variant.
Coding change: c.1839C>A on transcript NM_173354.5 (MANE Select); coding-DNA position 1839, C replaced by A.
Protein change: p.Cys613Ter; replaces cysteine 613 with a stop codon.
Molecular consequence: nonsense.
Genome position (GRCh38, 1-based): chr21:43,417,680, G>T on the plus strand (C>A on the coding strand, the complement: SIK1 is on the minus strand). VCF-style: chr21-43417680-G-T. GRCh37 (hg19) VCF-style: chr21-44837560-G-T.
Other names: short protein forms C613*.
Identifiers: ClinVar variation 1703110 (VCV001703110.3), dbSNP rs2516964679, ClinGen allele CA410607189.